The following is an entry in ClinVar:

ClinVar aggregate classification (germline): Uncertain significance. Review status: criteria provided, multiple submitters, no conflicts (2 of 4 stars). 2 submissions from 2 submitters: Uncertain significance (2). Last evaluated 2025-05-18.

Allele frequency attached by ClinVar (database versions not stated): TOPMed below 0.00001; ExAC 0.00001; gnomAD exomes below 0.00001.
gnomAD v4.1: 5 of 1,613,950 alleles (0.00031%); highest among the groups gnomAD compares: East Asian, 0.0045%; 1 homozygote.

Submissions (2):

Labcorp Genetics (formerly Invitae), Labcorp
Classification: Uncertain significance. Last evaluated: 2025-05-18. Review status: criteria provided, single submitter. Criteria: Invitae Variant Classification Sherloc (09022015). Collection method: clinical testing. Allele origin: germline.
Comment: This sequence change replaces cysteine, which is neutral and slightly polar, with serine, which is neutral and polar, at codon 609 of the ARHGEF1 protein (p.Cys609Ser). This variant is present in population databases (rs782733467, gnomAD 0.006%). This variant has not been reported in the literature in individuals affected with ARHGEF1-related conditions. ClinVar contains an entry for this variant (Variation ID: 2312013). An algorithm developed to predict the effect of missense changes on protein structure and function (PolyPhen-2) suggests that this variant is likely to be disruptive. In summary, the available evidence is currently insufficient to determine the role of this variant in disease. Therefore, it has been classified as a Variant of Uncertain Significance.

Ambry Genetics
Classification: Uncertain significance. Last evaluated: 2022-09-14. Review status: criteria provided, single submitter. Criteria: Ambry Variant Classification Scheme 2023. Collection method: clinical testing. Allele origin: germline.

NM_004706.4(ARHGEF1):c.1781G>C (p.Cys594Ser)

Gene: ARHGEF1 (Rho guanine nucleotide exchange factor 1; plus strand). Cytogenetic location: 19q13.2.
Variant type: single nucleotide variant.
Coding change: c.1781G>C on transcript NM_004706.4 (MANE Select); coding-DNA position 1781, G replaced by C.
Protein change: p.Cys594Ser; replaces cysteine 594 with serine.
Molecular consequence: missense variant. On other transcripts: non-coding transcript variant (2).
Genome position (GRCh38, 1-based): chr19:41,903,349, G>C. VCF-style: chr19-41903349-G-C. GRCh37 (hg19) VCF-style: chr19-42407499-G-C.
Other names: c.1949G>C, p.Cys650Ser (NM_001396000.1); c.1682G>C, p.Cys561Ser (NM_001396002.1, NM_001396004.1, NM_198977.2); c.1781G>C, p.Cys594Ser (NM_001396003.1, NM_001396006.1); c.1826G>C, p.Cys609Ser (NM_199002.2); short protein forms C609S, C594S, C650S, C561S.
Identifiers: ClinVar variation 2312013 (VCV002312013.4), dbSNP rs782733467, ClinGen allele CA9466481.